The following is an entry in ClinVar:

ClinVar aggregate classification (germline): Uncertain significance. Review status: criteria provided, multiple submitters, no conflicts (2 of 4 stars). 2 submissions from 2 submitters: Uncertain significance (2). Last evaluated 2025-06-17.

Allele frequency attached by ClinVar (database versions not stated): ExAC 0.00002; gnomAD 0.00003; ESP Exome Variant Server 0.00008.
gnomAD v4.1: 13 of 1,614,030 alleles (0.00081%); highest among the groups gnomAD compares: African/African-American, 0.016%; no homozygotes.

Submissions (2):

Women's Health and Genetics/Laboratory Corporation of America, LabCorp
Classification: Uncertain significance. Last evaluated: 2025-06-17. Review status: criteria provided, single submitter. Criteria: LabCorp Variant Classification Summary - May 2015. Collection method: clinical testing. Allele origin: germline.
Comment: Variant summary: LAMA1 c.3791G>C (p.Arg1264Pro) results in a non-conservative amino acid change in the encoded protein sequence. Algorithms developed to predict the effect of missense changes on protein structure and function are either unavailable or do not agree on the potential impact of this missense change. The variant allele was found at a frequency of 8e-06 in 251490 control chromosomes. The available data on variant occurrences in the general population are insufficient to allow any conclusion about variant significance. To our knowledge, no occurrence of c.3791G>C in individuals affected with Ataxia-Intellectual Disability-Oculomotor Apraxia-Cerebellar Cysts Syndrome and no experimental evidence demonstrating its impact on protein function have been reported. ClinVar contains an entry for this variant (Variation ID: 2068788). Based on the evidence outlined above, the variant was classified as uncertain significance.

Labcorp Genetics (formerly Invitae), Labcorp
Classification: Uncertain significance. Last evaluated: 2022-08-31. Review status: criteria provided, single submitter. Criteria: Invitae Variant Classification Sherloc (09022015). Collection method: clinical testing. Allele origin: germline.
Comment: In summary, the available evidence is currently insufficient to determine the role of this variant in disease. Therefore, it has been classified as a Variant of Uncertain Significance. Algorithms developed to predict the effect of missense changes on protein structure and function are either unavailable or do not agree on the potential impact of this missense change (SIFT: "Tolerated"; PolyPhen-2: "Probably Damaging"; Align-GVGD: "Class C0"). This variant has not been reported in the literature in individuals affected with LAMA1-related conditions. This variant is present in population databases (rs371957816, gnomAD 0.01%). This sequence change replaces arginine, which is basic and polar, with proline, which is neutral and non-polar, at codon 1264 of the LAMA1 protein (p.Arg1264Pro).

NM_005559.4(LAMA1):c.3791G>C (p.Arg1264Pro)

Gene: LAMA1 (laminin subunit alpha 1; minus strand). Cytogenetic location: 18p11.31.
Variant type: single nucleotide variant.
Coding change: c.3791G>C on transcript NM_005559.4 (MANE Select); coding-DNA position 3791, G replaced by C.
Protein change: p.Arg1264Pro; replaces arginine 1264 with proline.
Molecular consequence: missense variant.
Genome position (GRCh38, 1-based): chr18:7,010,282, C>G on the plus strand (G>C on the coding strand, the complement: LAMA1 is on the minus strand). VCF-style: chr18-7010282-C-G. GRCh37 (hg19) VCF-style: chr18-7010281-C-G.
Other names: short protein forms R1264P.
Identifiers: ClinVar variation 2068788 (VCV002068788.3), dbSNP rs371957816, ClinGen allele CA8882143.